The following is an entry in ClinVar:

ClinVar aggregate classification (germline): Uncertain significance (1 of 4 stars; one submission).

Submission:

Quest Diagnostics Nichols Institute San Juan Capistrano
Classification: Uncertain significance. Last evaluated: 2025-01-17. Review status: criteria provided, single submitter. Criteria: Quest Diagnostics criteria. Collection method: clinical testing. Allele origin: unknown.
Comment: The BTD c.128A>G (p.His43Arg) variant has been reported in the published literature in an individual undergoing BTD genetic screening due to possible newborn screening results (PMID: 26810761 (2016)). The frequency of this variant in the general population (Genome Aggregation Database) is uninformative in the assessment of its pathogenicity. Analysis of this variant using bioinformatics tools for the prediction of the effect of amino acid changes on protein structure and function yielded predictions that this variant is benign. Based on the available information, we are unable to determine the clinical significance of this variant.

Literature cited by the submitters: PubMed 26810761.

NM_000060.4:c.128A>G

Variant type: single nucleotide variant.
Other names: c.128A>G (NM_000060.4).
Identifiers: ClinVar variation 4532844 (VCV004532844.1).